The following is an entry in ClinVar:

ClinVar aggregate classification (germline): Uncertain significance (1 of 4 stars; one submission).

Submission:

Labcorp Genetics (formerly Invitae), Labcorp
Classification: Uncertain significance. Last evaluated: 2024-01-15. Review status: criteria provided, single submitter. Criteria: Invitae Variant Classification Sherloc (09022015). Collection method: clinical testing. Allele origin: germline.
Comment: This variant results in a copy number gain of the genomic region encompassing exon(s) 1 of the LONP1 gene. This region includes the initiator codon of the gene. This copy number gain extends beyond the assayed region for this gene and therefore may encompass additional genes. As the precise location of this event is unknown, it may be in tandem or it may be located elsewhere in the genome. This variant has not been reported in the literature in individuals affected with LONP1-related conditions. Experimental studies and prediction algorithms are not available or were not evaluated, and the functional significance of this variant is currently unknown. In summary, the available evidence is currently insufficient to determine the role of this variant in disease. Therefore, it has been classified as a Variant of Uncertain Significance.

NC_000019.9:g.(?_5719695)_(5720143_?)dup

Gene: LONP1 (lon peptidase 1, mitochondrial; minus strand). Cytogenetic location: 19p13.3.
Variant type: Duplication.
Identifiers: ClinVar variation 1374950 (VCV001374950.5).